The following is an entry in ClinVar:

NM_001543.5(NDST1):c.-3A>C

Gene: NDST1 (N-deacetylase and N-sulfotransferase 1; plus strand). Cytogenetic location: 5q33.1.
Variant type: single nucleotide variant.
Coding change: c.-3A>C on transcript NM_001543.5 (MANE Select); 3 bases upstream of the start codon, A replaced by C.
Molecular consequence: 5 prime UTR variant.
Genome position (GRCh38, 1-based): chr5:150,521,252, A>C. VCF-style: chr5-150521252-A-C. GRCh37 (hg19) VCF-style: chr5-149900814-A-C.
Other names: c.-3A>C (NM_001301063.2).
Identifiers: ClinVar variation 3031929 (VCV003031929.2), dbSNP rs764802372, ClinGen allele CA2676005350.

ClinVar aggregate classification (germline): Likely benign (0 of 4 stars; one submission).

Conditions:
NDST1-related disorder. Also called: NDST1-related condition.

gnomAD v4.1: 1 of 1,604,638 alleles (0.000062%); highest among the groups gnomAD compares: South Asian, 0.0011%; no homozygotes.

Submission:

PreventionGenetics, part of Exact Sciences
Classification: Likely benign for NDST1-related condition. Last evaluated: 2023-08-03. Review status: no assertion criteria provided. Collection method: clinical testing. Allele origin: germline.
Comment: This variant is classified as likely benign based on ACMG/AMP sequence variant interpretation guidelines (Richards et al. 2015 PMID: 25741868, with internal and published modifications).